The following is an entry in ClinVar:

NM_000179.3(MSH6):c.3554C>A (p.Ser1185Ter)

Gene: MSH6 (mutS homolog 6; plus strand). Cytogenetic location: 2p16.3.
Variant type: single nucleotide variant.
Coding change: c.3554C>A on transcript NM_000179.3 (MANE Select); coding-DNA position 3554, C replaced by A.
Protein change: p.Ser1185Ter; replaces serine 1185 with a stop codon.
Molecular consequence: nonsense. On other transcripts: non-coding transcript variant (4).
Genome position (GRCh38, 1-based): chr2:47,805,025, C>A. VCF-style: chr2-47805025-C-A. GRCh37 (hg19) VCF-style: chr2-48032164-C-A.
Other names: c.3164C>A, p.Ser1055Ter (NM_001281492.2); c.2648C>A, p.Ser883Ter (NM_001281493.2, NM_001281494.2, NM_001406811.1 and 6 more transcripts); c.3650C>A, p.Ser1217Ter (NM_001406795.1, NM_001406802.1); c.3554C>A, p.Ser1185Ter (NM_001406796.1, NM_001406800.1, NM_001406808.1 and 1 more transcripts); c.3257C>A, p.Ser1086Ter (NM_001406797.1, NM_001406801.1, NM_001406805.1 and 10 more transcripts); c.3380C>A, p.Ser1127Ter (NM_001406798.1); c.3029C>A, p.Ser1010Ter (NM_001406799.1, NM_001406806.1, NM_001406807.1); c.2690C>A, p.Ser897Ter (NM_001406803.1); and 7 more; short protein forms S663*, S883*, S897*, S1010*, S1055*, S1086*, S112*, S1127*.
Identifiers: ClinVar variation 2673797 (VCV002673797.1), dbSNP rs1572739043, ClinGen allele CA346760276.

ClinVar aggregate classification (germline): Pathogenic (1 of 4 stars; one submission).

Conditions:
Lynch syndrome 5 (LYNCH5). Also called: Colorectal cancer, hereditary nonpolyposis, type 5; Hereditary non-polyposis colorectal cancer, type 5. Identifiers: Orphanet 144, MedGen C1833477, MONDO:0013710, OMIM 614350. Disease mechanism: loss of function.

Submission:

Myriad Genetics, Inc.
Classification: Pathogenic for Lynch syndrome 5. Last evaluated: 2023-08-24. Review status: criteria provided, single submitter. Criteria: Myriad Autosomal Dominant, Autosomal Recessive and X-Linked Classification Criteria (2023). Collection method: clinical testing. Allele origin: unknown.
Comment: This variant is considered pathogenic. This variant creates a termination codon and is predicted to result in premature protein truncation.